The following is an entry in ClinVar:

NM_012318.3(LETM1):c.1009T>A (p.Ser337Thr)

Gene: LETM1 (leucine zipper and EF-hand containing transmembrane protein 1; minus strand). Cytogenetic location: 4p16.3.
Variant type: single nucleotide variant.
Coding change: c.1009T>A on transcript NM_012318.3 (MANE Select); coding-DNA position 1009, T replaced by A.
Protein change: p.Ser337Thr; replaces serine 337 with threonine.
Molecular consequence: missense variant.
Genome position (GRCh38, 1-based): chr4:1,832,815, A>T on the plus strand (T>A on the coding strand, the complement: LETM1 is on the minus strand). VCF-style: chr4-1832815-A-T. GRCh37 (hg19) VCF-style: chr4-1834542-A-T.
Other names: c.1009T>A (NM_012318.2); short protein forms S337T.
Identifiers: ClinVar variation 1941951 (VCV001941951.4), dbSNP rs186573116, ClinGen allele CA2811454.
Genomic context (GRCh38, chr4:1,832,815, plus strand): 5'-CCTTTATGGAGCGCAGCCGCATGGTAAGCTGGAAGCGCAGGAAGTTGTTGGTGCCGATGG[A>T]CTGTAGCTCCAGCAGCTTGCACAGGGCCACCAGCTGCGGCCGTGTCAGGTTGTCCAGGGT-3'
Protein context (NP_036450.1, residues 327-347): VALCKLLELQ[Ser337Thr]IGTNNFLRFQ

ClinVar aggregate classification (germline): Uncertain significance. Review status: criteria provided, multiple submitters, no conflicts (2 of 4 stars). 2 submissions from 2 submitters: Uncertain significance (2). Last evaluated 2025-08-01.

Conditions:
Inborn genetic diseases. Identifiers: MedGen C0950123, MeSH D030342.

Allele frequency attached by ClinVar (database versions not stated): gnomAD exomes below 0.00001; gnomAD 0.00001; TOPMed 0.00001; ExAC 0.00002; 1000 Genomes Project 30x 0.00016; 1000 Genomes Project 0.00020.
gnomAD v4.1: 8 of 1,614,138 alleles (0.0005%); highest among the groups gnomAD compares: Admixed American, 0.0017%; no homozygotes.

Submissions (2):

Ambry Genetics
Classification: Uncertain significance for Inborn genetic diseases. Last evaluated: 2025-08-01. Review status: criteria provided, single submitter. Criteria: Ambry Variant Classification Scheme 2023. Collection method: clinical testing. Allele origin: germline.

Labcorp Genetics (formerly Invitae), Labcorp
Classification: Uncertain significance. Last evaluated: 2022-09-06. Review status: criteria provided, single submitter. Criteria: Invitae Variant Classification Sherloc (09022015). Collection method: clinical testing. Allele origin: germline.
Comment: In summary, the available evidence is currently insufficient to determine the role of this variant in disease. Therefore, it has been classified as a Variant of Uncertain Significance. Algorithms developed to predict the effect of missense changes on protein structure and function (SIFT, PolyPhen-2, Align-GVGD) all suggest that this variant is likely to be tolerated. This variant has not been reported in the literature in individuals affected with LETM1-related conditions. This variant is present in population databases (rs186573116, gnomAD 0.003%). This sequence change replaces serine, which is neutral and polar, with threonine, which is neutral and polar, at codon 337 of the LETM1 protein (p.Ser337Thr).